The following is an entry in ClinVar:

NM_000492.4(CFTR):c.*55G>T

Gene: CFTR (CF transmembrane conductance regulator; plus strand). Cytogenetic location: 7q31.2.
Variant type: single nucleotide variant.
Coding change: c.*55G>T on transcript NM_000492.4 (MANE Select); 55 bases downstream of the stop codon, G replaced by T.
Molecular consequence: 3 prime UTR variant.
Genome position (GRCh38, 1-based): chr7:117,667,163, G>T. VCF-style: chr7-117667163-G-T. GRCh37 (hg19) VCF-style: chr7-117307217-G-T.
Identifiers: ClinVar variation 3076088 (VCV003076088.1), dbSNP rs1396175131, ClinGen allele CA2684621258.

ClinVar aggregate classification (germline): Uncertain significance (1 of 4 stars; one submission).

Conditions:
Cystic fibrosis (CF). Also called: MUCOVISCIDOSIS. Identifiers: Orphanet 586, MedGen C0010674, MONDO:0009061, OMIM 219700. Disease mechanism: loss of function.

Submission:

Ambry Genetics
Classification: Uncertain significance for Cystic fibrosis. Last evaluated: 2015-04-03. Review status: criteria provided, single submitter. Criteria: Ambry Variant Classification Scheme 2023. Collection method: clinical testing. Allele origin: germline.
Comment: The c.*55G>T alteration is located in the 3' untranslated region (3'UTR) of the CFTR gene. This alteration consists of a deletion of 1 nucleotides after the last coding exon of the CFTR gene. Based on insufficient or conflicting evidence, the clinical significance of this alteration remains unclear.